The following is an entry in ClinVar:

NM_020320.5(RARS2):c.1555A>G (p.Arg519Gly)

Gene: RARS2 (arginyl-tRNA synthetase 2, mitochondrial; minus strand). Cytogenetic location: 6q15.
Variant type: single nucleotide variant.
Coding change: c.1555A>G on transcript NM_020320.5 (MANE Select); coding-DNA position 1555, A replaced by G.
Protein change: p.Arg519Gly; replaces arginine 519 with glycine.
Molecular consequence: missense variant. On other transcripts: non-coding transcript variant (23).
Genome position (GRCh38, 1-based): chr6:87,516,837, T>C on the plus strand (A>G on the coding strand, the complement: RARS2 is on the minus strand). VCF-style: chr6-87516837-T-C. GRCh37 (hg19) VCF-style: chr6-88226555-T-C.
Other names: c.1030A>G, p.Arg344Gly (NM_001318785.2, NM_001350506.2, NM_001350507.2 and 4 more transcripts); c.1555A>G, p.Arg519Gly (NM_001350505.2); short protein forms R519G, R344G.
Identifiers: ClinVar variation 432749 (VCV000432749.3), dbSNP rs375989272, ClinGen allele CA3916226.

ClinVar aggregate classification (germline): Uncertain significance. Review status: criteria provided, multiple submitters, no conflicts (2 of 4 stars). 2 submissions from 2 submitters: Uncertain significance (2). Last evaluated 2024-04-30.

Conditions:
Pontocerebellar hypoplasia type 6 (PCH6). Identifiers: Orphanet 166073, MedGen C1969084, MONDO:0012683, OMIM 611523.

Allele frequency attached by ClinVar (database versions not stated): gnomAD exomes below 0.00001 and 0.00001; gnomAD 0.00001; ExAC 0.00002; ESP Exome Variant Server 0.00008; TOPMed 0.00008.
gnomAD v4.1: 5 of 1,613,778 alleles (0.00031%); highest among the groups gnomAD compares: Admixed American, 0.005%; no homozygotes.

Submissions (2):

Fulgent Genetics
Classification: Uncertain significance for Pontocerebellar hypoplasia type 6. Last evaluated: 2024-04-30. Review status: criteria provided, single submitter. Criteria: ACMG Guidelines, 2015. Collection method: clinical testing. Allele origin: germline.

GeneDx
Classification: Uncertain significance. Last evaluated: 2017-06-09. Review status: criteria provided, single submitter. Criteria: GeneDx Variant Classification (06012015). Collection method: clinical testing. Allele origin: germline. Affected: yes.
Comment: A variant of uncertain significance has been identified in the RARS2 gene. The R519G variant has not been published as a pathogenic variant, nor has it been reported as a benign variant to our knowledge. The R519G variant is not observed at a significant frequency in large population cohorts (Lek et al., 2016; 1000 Genomes Consortium et al., 2015; Exome Variant Server). This substitution occurs at a position where amino acids with similar properties to Arginine are tolerated across species. However, the R519G variant is a non-conservative amino acid substitution, which is likely to impact secondary protein structure as these residues differ in polarity, charge, size and/or other properties. In silico analysis is inconsistent in its predictions as to whether or not the variant is damaging to the protein structure/function. Therefore, based on the currently available information, it is unclear whether this variant is a pathogenic variant or a rare benign variant.